The following is an entry in ClinVar:

NM_030665.4(RAI1):c.4684C>G (p.Gln1562Glu)

Gene: RAI1 (retinoic acid induced 1; plus strand). Cytogenetic location: 17p11.2.
Variant type: single nucleotide variant.
Coding change: c.4684C>G on transcript NM_030665.4 (MANE Select); coding-DNA position 4684, C replaced by G.
Protein change: p.Gln1562Glu; replaces glutamine 1562 with glutamic acid.
Molecular consequence: missense variant.
Genome position (GRCh38, 1-based): chr17:17,797,632, C>G. VCF-style: chr17-17797632-C-G. GRCh37 (hg19) VCF-style: chr17-17700946-C-G.
Other names: short protein forms Q1562E.
Identifiers: ClinVar variation 4997968 (VCV004997968.1).

ClinVar aggregate classification (germline): Uncertain significance (1 of 4 stars; one submission).

Conditions:
RAI1-related disorder. Also called: RAI1-related condition.

Submission:

PreventionGenetics, part of Exact Sciences
Classification: Uncertain significance for RAI1-related condition. Last evaluated: 2025-03-19. Review status: criteria provided, single submitter. Criteria: ACMG Guidelines, 2015. Collection method: clinical testing. Allele origin: germline.
Comment: The RAI1 c.4684C>G variant is predicted to result in the amino acid substitution p.Gln1562Glu. To our knowledge, this variant has not been reported in the literature or in a large population database (gnomAD), indicating this variant is rare. At this time, the clinical significance of this variant is uncertain due to the absence of conclusive functional and genetic evidence.